The following is an entry in ClinVar:

NM_024513.4(FYCO1):c.3824C>T (p.Pro1275Leu)

Gene: FYCO1 (FYVE and coiled-coil domain autophagy adaptor 1; minus strand). Cytogenetic location: 3p21.31.
Variant type: single nucleotide variant.
Coding change: c.3824C>T on transcript NM_024513.4 (MANE Select); coding-DNA position 3824, C replaced by T.
Protein change: p.Pro1275Leu; replaces proline 1275 with leucine.
Molecular consequence: missense variant.
Genome position (GRCh38, 1-based): chr3:45,955,369, G>A on the plus strand (C>T on the coding strand, the complement: FYCO1 is on the minus strand). VCF-style: chr3-45955369-G-A. GRCh37 (hg19) VCF-style: chr3-45996861-G-A.
Other names: c.3824C>T (NM_024513.2); short protein forms P1275L.
Identifiers: ClinVar variation 1014089 (VCV001014089.7), dbSNP rs377677067, ClinGen allele CA2352668.

ClinVar aggregate classification (germline): Uncertain significance. Review status: criteria provided, multiple submitters, no conflicts (2 of 4 stars). 2 submissions from 2 submitters: Uncertain significance (2). Last evaluated 2025-08-03.

Conditions:
Inborn genetic diseases. Identifiers: MedGen C0950123, MeSH D030342.
Cataract 18 (CATC2). Also called: CATARACT 18, AUTOSOMAL RECESSIVE. Identifiers: Orphanet 91492, Orphanet 98991, Orphanet 98992, Orphanet 98995, MedGen C1864908, MONDO:0012395, OMIM 610019.

Allele frequency attached by ClinVar (database versions not stated): ESP Exome Variant Server 0.00008; gnomAD 0.00011 and 0.00012; ExAC 0.00012; gnomAD exomes 0.00012 and 0.00014; TOPMed 0.00014.

Submissions (2):

Ambry Genetics
Classification: Uncertain significance for Inborn genetic diseases. Last evaluated: 2025-08-03. Review status: criteria provided, single submitter. Criteria: Ambry Variant Classification Scheme 2023. Collection method: clinical testing. Allele origin: germline.

Labcorp Genetics (formerly Invitae), Labcorp
Classification: Uncertain significance for Cataract 18. Last evaluated: 2020-10-23. Review status: criteria provided, single submitter. Criteria: Invitae Variant Classification Sherloc (09022015). Collection method: clinical testing. Allele origin: germline.
Comment: This variant has not been reported in the literature in individuals with FYCO1-related conditions. In summary, the available evidence is currently insufficient to determine the role of this variant in disease. Therefore, it has been classified as a Variant of Uncertain Significance. Algorithms developed to predict the effect of missense changes on protein structure and function are either unavailable or do not agree on the potential impact of this missense change (SIFT: "Deleterious"; PolyPhen-2: "Probably Damaging"; Align-GVGD: "Class C0"). This sequence change replaces proline with leucine at codon 1275 of the FYCO1 protein (p.Pro1275Leu). The proline residue is highly conserved and there is a moderate physicochemical difference between proline and leucine.